The following is an entry in ClinVar:

NM_001206927.2(DNAH8):c.13288G>A (p.Val4430Met)

Gene: DNAH8 (dynein axonemal heavy chain 8; plus strand). Cytogenetic location: 6p21.2.
Variant type: single nucleotide variant.
Coding change: c.13288G>A on transcript NM_001206927.2 (MANE Select); coding-DNA position 13288, G replaced by A.
Protein change: p.Val4430Met; replaces valine 4430 with methionine.
Molecular consequence: missense variant.
Genome position (GRCh38, 1-based): chr6:39,008,887, G>A. VCF-style: chr6-39008887-G-A. GRCh37 (hg19) VCF-style: chr6-38976663-G-A.
Other names: c.12637G>A, p.Val4213Met (NM_001371.4); short protein forms V4213M, V4430M.
Identifiers: ClinVar variation 1426664 (VCV001426664.8), dbSNP rs1765985930, ClinGen allele CA364020331.
Genomic context (GRCh38, chr6:39,008,887, plus strand): 5'-ACTGCTTCTGCTGTTCTTGAAACAATTACCAACATTCAACCCAAAGAGAGTGGAGGTGGT[G>A]TGGGAGAGACCCGGGAGGCTATTGTTTATAGATTATCTGAAGATATGCTGAGTAAACTCC-3'
Protein context (NP_001193856.1, residues 4420-4440): NIQPKESGGG[Val4430Met]GETREAIVYR

ClinVar aggregate classification (germline): Uncertain significance (1 of 4 stars; one submission).

Conditions:
Primary ciliary dyskinesia. Also called: Ciliary dyskinesia. Identifiers: Orphanet 244, MedGen C0008780, MONDO:0016575, HP:0012265.

Submission:

Labcorp Genetics (formerly Invitae), Labcorp
Classification: Uncertain significance for Primary ciliary dyskinesia. Last evaluated: 2021-08-05. Review status: criteria provided, single submitter. Criteria: Invitae Variant Classification Sherloc (09022015). Collection method: clinical testing. Allele origin: germline.
Comment: In summary, the available evidence is currently insufficient to determine the role of this variant in disease. Therefore, it has been classified as a Variant of Uncertain Significance. This sequence change replaces valine with methionine at codon 4430 of the DNAH8 protein (p.Val4430Met). The valine residue is weakly conserved and there is a small physicochemical difference between valine and methionine. This variant is not present in population databases (ExAC no frequency). This variant has not been reported in the literature in individuals with DNAH8-related conditions. Algorithms developed to predict the effect of missense changes on protein structure and function output the following: SIFT: "Tolerated"; PolyPhen-2: "Not Available"; Align-GVGD: "Class C0". The methionine amino acid residue is found in multiple mammalian species, suggesting that this missense change does not adversely affect protein function. These predictions have not been confirmed by published functional studies and their clinical significance is uncertain.